The following is an entry in ClinVar:

ClinVar aggregate classification (germline): Uncertain significance (1 of 4 stars; one submission).

Conditions:
Hereditary spastic paraplegia 75. Also called: Spastic paraplegia 75, autosomal recessive. Identifiers: Orphanet 459056, MedGen C4225250, MONDO:0014729, OMIM 616680.

Allele frequency attached by ClinVar (database versions not stated): ExAC 0.00003; TOPMed 0.00008; gnomAD 0.00012; 1000 Genomes Project 0.00040; 1000 Genomes Project 30x 0.00047.
gnomAD v4.1: 39 of 1,607,808 alleles (0.0024%); highest among the groups gnomAD compares: African/African-American, 0.04%; no homozygotes.

Submission:

Labcorp Genetics (formerly Invitae), Labcorp
Classification: Uncertain significance for Hereditary spastic paraplegia 75. Last evaluated: 2024-12-16. Review status: criteria provided, single submitter. Criteria: Invitae Variant Classification Sherloc (09022015). Collection method: clinical testing. Allele origin: germline.
Comment: This sequence change replaces glutamic acid, which is acidic and polar, with aspartic acid, which is acidic and polar, at codon 156 of the MAG protein (p.Glu156Asp). This variant is present in population databases (rs571568846, gnomAD 0.02%). This variant has not been reported in the literature in individuals affected with MAG-related conditions. ClinVar contains an entry for this variant (Variation ID: 1900606). Invitae Evidence Modeling of protein sequence and biophysical properties (such as structural, functional, and spatial information, amino acid conservation, physicochemical variation, residue mobility, and thermodynamic stability) indicates that this missense variant is not expected to disrupt MAG protein function with a negative predictive value of 80%. In summary, the available evidence is currently insufficient to determine the role of this variant in disease. Therefore, it has been classified as a Variant of Uncertain Significance.

NM_002361.4(MAG):c.468G>C (p.Glu156Asp)

Gene: MAG (myelin associated glycoprotein; plus strand). Cytogenetic location: 19q13.12.
Variant type: single nucleotide variant.
Coding change: c.468G>C on transcript NM_002361.4 (MANE Select); coding-DNA position 468, G replaced by C.
Protein change: p.Glu156Asp; replaces glutamic acid 156 with aspartic acid.
Molecular consequence: missense variant.
Genome position (GRCh38, 1-based): chr19:35,299,606, G>C. VCF-style: chr19-35299606-G-C. GRCh37 (hg19) VCF-style: chr19-35790509-G-C.
Other names: c.393G>C, p.Glu131Asp (NM_001199216.2); c.468G>C, p.Glu156Asp (NM_080600.3); short protein forms E156D, E131D.
Identifiers: ClinVar variation 1900606 (VCV001900606.5), dbSNP rs571568846, ClinGen allele CA9376035.
Genomic context (GRCh38, chr19:35,299,606, plus strand): 5'-TCGTATAGACACCCCCAACATCGTGGTGCCCCCAGAGGTGGTGGCAGGCACGGAGGTGGA[G>C]GTCAGCTGCATGGTGCCGGACAACTGCCCAGAGCTGCGCCCTGAGCTGAGCTGGCTGGGC-3'
Protein context (NP_002352.1, residues 146-166): PPEVVAGTEV[Glu156Asp]VSCMVPDNCP